The following is an entry in ClinVar:

ClinVar aggregate classification (germline): Uncertain significance. Review status: criteria provided, multiple submitters, no conflicts (2 of 4 stars). 2 submissions from 2 submitters: Uncertain significance (2). Last evaluated 2023-03-31.

Conditions:
Hereditary cancer-predisposing syndrome. Also called: Tumor predisposition; Hereditary Cancer Syndrome; Neoplastic Syndromes, Hereditary; Hereditary neoplastic syndrome. Identifiers: Orphanet 140162, MedGen C0027672, MeSH D009386, MONDO:0015356.
Hereditary nonpolyposis colorectal neoplasms. Identifiers: MedGen C0009405, MeSH D003123.

Submissions (2):

Ambry Genetics
Classification: Uncertain significance for Hereditary cancer-predisposing syndrome. Last evaluated: 2023-03-31. Review status: criteria provided, single submitter. Criteria: Ambry Variant Classification Scheme 2023. Collection method: clinical testing. Allele origin: germline.
Comment: The p.R901P variant (also known as c.2702G>C), located in coding exon 4 of the MSH6 gene, results from a G to C substitution at nucleotide position 2702. The arginine at codon 901 is replaced by proline, an amino acid with dissimilar properties. This amino acid position is not well conserved in available vertebrate species. In addition, the in silico prediction for this alteration is inconclusive. Since supporting evidence is limited at this time, the clinical significance of this alteration remains unclear.

Labcorp Genetics (formerly Invitae), Labcorp
Classification: Uncertain significance for Hereditary nonpolyposis colorectal neoplasms. Last evaluated: 2023-01-06. Review status: criteria provided, single submitter. Criteria: Invitae Variant Classification Sherloc (09022015). Collection method: clinical testing. Allele origin: germline.
Comment: In summary, the available evidence is currently insufficient to determine the role of this variant in disease. Therefore, it has been classified as a Variant of Uncertain Significance. This sequence change replaces arginine, which is basic and polar, with proline, which is neutral and non-polar, at codon 901 of the MSH6 protein (p.Arg901Pro). This variant is not present in population databases (gnomAD no frequency). This variant has not been reported in the literature in individuals affected with MSH6-related conditions. ClinVar contains an entry for this variant (Variation ID: 1794945). Advanced modeling of protein sequence and biophysical properties (such as structural, functional, and spatial information, amino acid conservation, physicochemical variation, residue mobility, and thermodynamic stability) performed at Invitae indicates that this missense variant is not expected to disrupt MSH6 protein function.

NM_000179.3(MSH6):c.2702G>C (p.Arg901Pro)

Gene: MSH6 (mutS homolog 6; plus strand). Cytogenetic location: 2p16.3.
Variant type: single nucleotide variant.
Coding change: c.2702G>C on transcript NM_000179.3 (MANE Select); coding-DNA position 2702, G replaced by C.
Protein change: p.Arg901Pro; replaces arginine 901 with proline.
Molecular consequence: missense variant.
Genome position (GRCh38, 1-based): chr2:47,800,685, G>C. VCF-style: chr2-47800685-G-C. GRCh37 (hg19) VCF-style: chr2-48027824-G-C.
Other names: c.2312G>C, p.Arg771Pro (NM_001281492.2); c.1796G>C, p.Arg599Pro (NM_001281493.2, NM_001281494.2, NM_001406811.1 and 6 more transcripts); c.2798G>C, p.Arg933Pro (NM_001406795.1, NM_001406802.1); c.2702G>C, p.Arg901Pro (NM_001406796.1, NM_001406798.1, NM_001406800.1 and 2 more transcripts); c.2405G>C, p.Arg802Pro (NM_001406797.1, NM_001406801.1, NM_001406805.1 and 10 more transcripts); c.2177G>C, p.Arg726Pro (NM_001406799.1, NM_001406806.1, NM_001406807.1); c.2624G>C, p.Arg875Pro (NM_001406804.1); c.2708G>C, p.Arg903Pro (NM_001406813.1); and 2 more; short protein forms R802P, R933P, R845P, R875P, R901P, R216P, R771P, R903P.
Identifiers: ClinVar variation 1794945 (VCV001794945.6), dbSNP rs63749889, ClinGen allele CA346755321.